The following is an entry in ClinVar:

ClinVar aggregate classification (germline): Uncertain significance. Review status: criteria provided, multiple submitters, no conflicts (2 of 4 stars). 4 submissions from 4 submitters: Uncertain significance (3). 1 of the submissions does not count toward it. Last evaluated 2025-11-06.

Conditions:
Retinal dystrophy. Also called: Inherited retinal dystrophy. Identifiers: Orphanet 71862, MedGen C0854723, MeSH D058499, MONDO:0019118, HP:0000556.
Inborn genetic diseases. Identifiers: MedGen C0950123, MeSH D030342.

Allele frequency attached by ClinVar (database versions not stated): TOPMed 0.00009.
gnomAD v4.1: 47 of 1,575,466 alleles (0.003%); highest among the groups gnomAD compares: Middle Eastern, 0.19%; no homozygotes.

Submissions (4):

Labcorp Genetics (formerly Invitae), Labcorp
Classification: Uncertain significance. Last evaluated: 2025-11-06. Review status: criteria provided, single submitter. Criteria: Invitae Variant Classification Sherloc (09022015). Collection method: clinical testing. Allele origin: germline.
Comment: This sequence change replaces valine, which is neutral and non-polar, with leucine, which is neutral and non-polar, at codon 999 of the ARHGEF18 protein (p.Val999Leu). This variant is present in population databases (rs754464153, gnomAD 0.005%). This variant has not been reported in the literature in individuals affected with ARHGEF18-related conditions. ClinVar contains an entry for this variant (Variation ID: 843346). An algorithm developed to predict the effect of missense changes on protein structure and function (PolyPhen-2) suggests that this variant is likely to be tolerated. In summary, the available evidence is currently insufficient to determine the role of this variant in disease. Therefore, it has been classified as a Variant of Uncertain Significance.

Ambry Genetics
Classification: Uncertain significance for Inborn genetic diseases. Last evaluated: 2024-02-27. Review status: criteria provided, single submitter. Criteria: Ambry Variant Classification Scheme 2023. Collection method: clinical testing. Allele origin: germline.

Blueprint Genetics
Classification: Uncertain significance. Last evaluated: 2023-08-04. Review status: criteria provided, single submitter. Criteria: ACMG Guidelines, 2015. Collection method: clinical testing. Allele origin: germline.

Institute of Human Genetics, Univ. Regensburg, Univ. Regensburg
Classification: Uncertain significance for Retinal dystrophy. Last evaluated: 2023-01-01. Review status: no assertion criteria provided. Criteria: ACMG Guidelines, 2015. Collection method: clinical testing. Allele origin: germline. Affected: yes. Not counted in ClinVar's aggregate classification.

NM_001367823.1(ARHGEF18):c.3559G>C (p.Val1187Leu)

Gene: ARHGEF18 (Rho/Rac guanine nucleotide exchange factor 18; plus strand). Cytogenetic location: 19p13.2.
Variant type: single nucleotide variant.
Coding change: c.3559G>C on transcript NM_001367823.1 (MANE Select); coding-DNA position 3559, G replaced by C.
Protein change: p.Val1187Leu; replaces valine 1187 with leucine.
Molecular consequence: missense variant.
Genome position (GRCh38, 1-based): chr19:7,468,903, G>C. VCF-style: chr19-7468903-G-C. GRCh37 (hg19) VCF-style: chr19-7533789-G-C.
Other names: c.2833G>C, p.Val945Leu (NM_001130955.2); c.2521G>C, p.Val841Leu (NM_001367824.1, NM_015318.4); short protein forms V841L, V1187L, V945L.
Identifiers: ClinVar variation 843346 (VCV000843346.8), dbSNP rs754464153, ClinGen allele CA9137171.